The following is an entry in ClinVar:

ClinVar aggregate classification (germline): Likely benign. Review status: criteria provided, multiple submitters, no conflicts (2 of 4 stars). 6 submissions from 6 submitters: Likely benign (6). Last evaluated 2026-08-01.

Allele frequency attached by ClinVar (database versions not stated): gnomAD exomes 0.00002 and 0.00006; ExAC 0.00006; ESP Exome Variant Server 0.00008; gnomAD 0.00011; TOPMed 0.00011; 1000 Genomes Project 30x 0.00016; 1000 Genomes Project 0.00020.
gnomAD v4.1: 54 of 1,613,594 alleles (0.0033%); highest among the groups gnomAD compares: Admixed American, 0.055%; no homozygotes.

Submissions (6):

CeGaT Center for Human Genetics Tuebingen
Classification: Likely benign. Last evaluated: 2026-08-01. Review status: criteria provided, single submitter. Criteria: CeGaT Center For Human Genetics Tuebingen Variant Classification Criteria Version 2. Collection method: clinical testing. Allele origin: germline. Affected: yes. Observed: 1 variant allele.
Comment: COL11A1: BP4, BP7

Labcorp Genetics (formerly Invitae), Labcorp
Classification: Likely benign. Last evaluated: 2025-12-22. Review status: criteria provided, single submitter. Criteria: Invitae Variant Classification Sherloc (09022015). Collection method: clinical testing. Allele origin: germline.

Blueprint Genetics
Classification: Likely benign. Last evaluated: 2024-02-15. Review status: criteria provided, single submitter. Criteria: ACMG Guidelines, 2015. Collection method: clinical testing. Allele origin: germline.

Women's Health and Genetics/Laboratory Corporation of America, LabCorp
Classification: Likely benign. Last evaluated: 2023-12-18. Review status: criteria provided, single submitter. Criteria: LabCorp Variant Classification Summary - May 2015. Collection method: clinical testing. Allele origin: germline.

GeneDx
Classification: Likely benign. Last evaluated: 2020-09-02. Review status: criteria provided, single submitter. Criteria: GeneDx Variant Classification Process June 2021. Collection method: clinical testing. Allele origin: germline. Affected: yes.

PreventionGenetics, part of Exact Sciences
Classification: Likely benign. Review status: criteria provided, single submitter. Criteria: ACMG Guidelines, 2015. Collection method: clinical testing. Allele origin: germline.

NM_001854.4(COL11A1):c.4935T>C (p.Gly1645=)

Gene: COL11A1 (collagen type XI alpha 1 chain; minus strand). Cytogenetic location: 1p21.1.
Variant type: single nucleotide variant.
Coding change: c.4935T>C on transcript NM_001854.4 (MANE Select); coding-DNA position 4935, T replaced by C.
Protein change: p.Gly1645=; no amino-acid change (glycine 1645 retained).
Molecular consequence: synonymous variant. On other transcripts: non-coding transcript variant (1).
Genome position (GRCh38, 1-based): chr1:102,883,235, A>G on the plus strand (T>C on the coding strand, the complement: COL11A1 is on the minus strand). VCF-style: chr1-102883235-A-G. GRCh37 (hg19) VCF-style: chr1-103348791-A-G.
Other names: c.4818T>C, p.Gly1606= (NM_001190709.2); c.4971T>C, p.Gly1657= (NM_080629.3); c.4587T>C, p.Gly1529= (NM_080630.4).
Identifiers: ClinVar variation 258472 (VCV000258472.15), dbSNP rs369265343, ClinGen allele CA973369.